The following is an entry in ClinVar:

ClinVar aggregate classification (germline): Uncertain significance (1 of 4 stars; one submission).

Conditions:
Galactosylceramide beta-galactosidase deficiency. Also called: Leukodystrophy, Globoid Cell; GALACTOCEREBROSIDASE DEFICIENCY; GALC DEFICIENCY; GLOBOID CELL LEUKOENCEPHALOPATHY; Krabbe Disease. Identifiers: Orphanet 487, MedGen C0023521, MONDO:0009499, OMIM 245200.

Allele frequency attached by ClinVar (database versions not stated): gnomAD exomes below 0.00001; gnomAD 0.00002; TOPMed 0.00002.
gnomAD v4.1: 4 of 1,614,088 alleles (0.00025%); highest among the groups gnomAD compares: African/African-American, 0.0053%; no homozygotes.

Submission:

Labcorp Genetics (formerly Invitae), Labcorp
Classification: Uncertain significance for Galactosylceramide beta-galactosidase deficiency. Last evaluated: 2022-08-06. Review status: criteria provided, single submitter. Criteria: Invitae Variant Classification Sherloc (09022015). Collection method: clinical testing. Allele origin: germline.
Comment: This sequence change replaces leucine, which is neutral and non-polar, with proline, which is neutral and non-polar, at codon 170 of the GALC protein (p.Leu170Pro). This variant is present in population databases (no rsID available, gnomAD 0.008%). This variant has not been reported in the literature in individuals affected with GALC-related conditions. Advanced modeling of protein sequence and biophysical properties (such as structural, functional, and spatial information, amino acid conservation, physicochemical variation, residue mobility, and thermodynamic stability) performed at Invitae indicates that this missense variant is expected to disrupt GALC protein function. In summary, the available evidence is currently insufficient to determine the role of this variant in disease. Therefore, it has been classified as a Variant of Uncertain Significance.

NM_000153.4(GALC):c.509T>C (p.Leu170Pro)

Gene: GALC (galactosylceramidase; minus strand). Cytogenetic location: 14q31.3.
Variant type: single nucleotide variant.
Coding change: c.509T>C on transcript NM_000153.4 (MANE Select); coding-DNA position 509, T replaced by C.
Protein change: p.Leu170Pro; replaces leucine 170 with proline.
Molecular consequence: missense variant.
Genome position (GRCh38, 1-based): chr14:87,984,467, A>G on the plus strand (T>C on the coding strand, the complement: GALC is on the minus strand). VCF-style: chr14-87984467-A-G. GRCh37 (hg19) VCF-style: chr14-88450811-A-G.
Other names: c.440T>C, p.Leu147Pro (NM_001201401.2); c.431T>C, p.Leu144Pro (NM_001201402.2); short protein forms L147P, L144P, L170P.
Identifiers: ClinVar variation 2185183 (VCV002185183.1), dbSNP rs1178963908, ClinGen allele CA390751697.